The following is an entry in ClinVar:

NM_001267550.2(TTN):c.82654G>A (p.Val27552Met)

Genes: TTN (titin; minus strand), TTN-AS1 (TTN antisense RNA 1; plus strand). Cytogenetic location: 2q31.2.
Variant type: single nucleotide variant.
Coding change: c.82654G>A on transcript NM_001267550.2 (MANE Select); coding-DNA position 82654, G replaced by A.
Protein change: p.Val27552Met; replaces valine 27552 with methionine.
Molecular consequence: missense variant.
Genome position (GRCh38, 1-based): chr2:178,563,478, C>T on the plus strand (G>A on the coding strand, the complement: TTN is on the minus strand). VCF-style: chr2-178563478-C-T. GRCh37 (hg19) VCF-style: chr2-179428205-C-T.
Other names: c.77731G>A, p.Val25911Met (NM_001256850.1); c.55459G>A, p.Val18487Met (NM_003319.4); c.74950G>A, p.Val24984Met (NM_133378.4); c.55834G>A, p.Val18612Met (NM_133432.3); c.56035G>A, p.Val18679Met (NM_133437.4); short protein forms V18679M, V27552M, V18487M, V25911M, V18612M, V24984M.
Identifiers: ClinVar variation 4990327 (VCV004990327.1).

ClinVar aggregate classification (germline): Uncertain significance (1 of 4 stars; one submission).

Conditions:
TTN-related disorder. Also called: TTN-related disorders; TTN-related condition; TTN-related disease.

gnomAD v4.1: 6 of 1,613,586 alleles (0.00037%); highest among the groups gnomAD compares: East Asian, 0.0067%; no homozygotes.

Submission:

PreventionGenetics, part of Exact Sciences
Classification: Uncertain significance for TTN-related condition. Last evaluated: 2025-11-06. Review status: criteria provided, single submitter. Criteria: ACMG Guidelines, 2015. Collection method: clinical testing. Allele origin: germline.
Comment: The TTN c.82654G>A variant is predicted to result in the amino acid substitution p.Val27552Met. To our knowledge, this variant has not been reported in the literature. This variant is reported in 0.0083% of alleles in individuals of African descent in gnomAD. At this time, the clinical significance of this variant is uncertain due to the absence of conclusive functional and genetic evidence.